The following is an entry in ClinVar:

ClinVar aggregate classification (germline): Pathogenic (1 of 4 stars; one submission).

Conditions:
Legius syndrome. Identifiers: Orphanet 137605, MedGen C1969623, MONDO:0012669, OMIM 611431. Disease mechanism: loss of function.

Submission:

Labcorp Genetics (formerly Invitae), Labcorp
Classification: Pathogenic for Legius syndrome. Last evaluated: 2022-03-13. Review status: criteria provided, single submitter. Criteria: Invitae Variant Classification Sherloc (09022015). Collection method: clinical testing. Allele origin: germline.
Comment: For these reasons, this variant has been classified as Pathogenic. This variant has not been reported in the literature in individuals affected with SPRED1-related conditions. This variant is not present in population databases (gnomAD no frequency). This sequence change creates a premature translational stop signal (p.Arg110Glyfs*11) in the SPRED1 gene. It is expected to result in an absent or disrupted protein product. Loss-of-function variants in SPRED1 are known to be pathogenic (PMID: 17704776).

Literature cited by the submitters: PubMed 17704776.

NM_152594.3(SPRED1):c.328del (p.Arg110fs)

Gene: SPRED1 (sprouty related EVH1 domain containing 1; plus strand). Cytogenetic location: 15q14.
Variant type: Deletion.
Coding change: c.328del on transcript NM_152594.3 (MANE Select); coding-DNA position 328, one base deleted (A; older notation c.328delA).
Protein change: p.Arg110fs; shifts the reading frame from arginine 110.
Molecular consequence: frameshift variant.
Genome position (GRCh38, 1-based): chr15:38,322,361, A deleted. VCF-style (leftmost placement, unchanged base first): chr15-38322360-TA-T. GRCh37 (hg19) VCF-style: chr15-38614561-TA-T.
Other names: short protein forms R110fs.
Identifiers: ClinVar variation 2110660 (VCV002110660.4), dbSNP rs2542695865, ClinGen allele CA2580089304.